The following is an entry in ClinVar:

NM_003590.5(CUL3):c.1207-1G>A

Gene: CUL3 (cullin 3; minus strand). Cytogenetic location: 2q36.2.
Variant type: single nucleotide variant.
Coding change: c.1207-1G>A on transcript NM_003590.5 (MANE Select); the canonical splice acceptor site of the intron before coding-DNA position 1207, G replaced by A.
Molecular consequence: splice acceptor variant.
Genome position (GRCh38, 1-based): chr2:224,503,823, C>T on the plus strand (G>A on the coding strand, the complement: CUL3 is on the minus strand). VCF-style: chr2-224503823-C-T. GRCh37 (hg19) VCF-style: chr2-225368540-C-T.
Other names: EX9_g(-1)a; IVS8, G-A, -1; c.1009-1G>A (NM_001257197.2); c.1225-1G>A (NM_001257198.2).
Identifiers: ClinVar variation 100516 (VCV000100516.3), dbSNP rs199469654, ClinGen allele CA269955.

ClinVar aggregate classification (germline): Pathogenic. Review status: no assertion criteria provided (0 of 4 stars). 2 submissions from 2 submitters: Pathogenic (2). Last evaluated 2012-01-22.

Conditions:
Pseudohypoaldosteronism type 2E (PHA2E). Also called: Pseudohypoaldosteronism Type IIE. Identifiers: Orphanet 300530, Orphanet 757, MedGen C3469606, MONDO:0013782, OMIM 614496.
Pseudohypoaldosteronism type 2A (PHA2A). Also called: GORDON HYPERKALEMIA-HYPERTENSION SYNDROME; HYPERTENSIVE HYPERKALEMIA, FAMILIAL. Identifiers: Orphanet 757, Orphanet 88938, MedGen C1840389, MONDO:0007772, OMIM 145260.

Submissions (2):

OMIM
Classification: Pathogenic for PSEUDOHYPOALDOSTERONISM, TYPE IIE. Last evaluated: 2012-01-22. Review status: no assertion criteria provided. Collection method: literature only. Allele origin: germline.

Richard Lifton Laboratory, Yale University School of Medicine
Classification: Pathogenic for Pseudohypoaldosteronism, type 2. Review status: no assertion criteria provided. Collection method: not provided. Allele origin: germline.
Comment: dominant;observed de novo;intron 8 splice acceptor
ClinVar note: Converted during submission from pathogenic to Pathogenic.

Literature cited by the submitters: PubMed 22266938 (cited by OMIM).